The following is an entry in ClinVar:

NM_002439.5(MSH3):c.2384T>A (p.Leu795His)

Gene: MSH3 (mutS homolog 3; plus strand). Cytogenetic location: 5q14.1.
Variant type: single nucleotide variant.
Coding change: c.2384T>A on transcript NM_002439.5 (MANE Select); coding-DNA position 2384, T replaced by A.
Protein change: p.Leu795His; replaces leucine 795 with histidine.
Molecular consequence: missense variant.
Genome position (GRCh38, 1-based): chr5:80,778,785, T>A. VCF-style: chr5-80778785-T-A. GRCh37 (hg19) VCF-style: chr5-80074604-T-A.
Other names: short protein forms L795H.
Identifiers: ClinVar variation 664826 (VCV000664826.17), dbSNP rs1210674099, ClinGen allele CA360281836.

ClinVar aggregate classification (germline): Uncertain significance. Review status: criteria provided, multiple submitters, no conflicts (2 of 4 stars). 3 submissions from 3 submitters: Uncertain significance (3). Last evaluated 2025-12-09.

Conditions:
Familial adenomatous polyposis 4 (FAP4). Also called: MSH3-related attenuated familial adenomatous polyposis. Identifiers: Orphanet 480536, MedGen C4310719, MONDO:0044300, OMIM 617100.
Hereditary cancer-predisposing syndrome. Also called: Neoplastic Syndromes, Hereditary; Tumor predisposition; Hereditary neoplastic syndrome; Hereditary Cancer Syndrome. Identifiers: Orphanet 140162, MedGen C0027672, MeSH D009386, MONDO:0015356.
Endometrial carcinoma. Also called: Endometrial carcinoma, somatic. Identifiers: MedGen C0476089, MONDO:0002447, OMIM 608089, HP:0012114.

Allele frequency attached by ClinVar (database versions not stated): gnomAD exomes 0.00001; TOPMed 0.00004; gnomAD 0.00005 and 0.00006.
gnomAD v4.1: 19 of 1,613,072 alleles (0.0012%); highest among the groups gnomAD compares: Admixed American, 0.0017%; no homozygotes.

Submissions (3):

Labcorp Genetics (formerly Invitae), Labcorp
Classification: Uncertain significance. Last evaluated: 2025-12-09. Review status: criteria provided, single submitter. Criteria: Invitae Variant Classification Sherloc (09022015). Collection method: clinical testing. Allele origin: germline.
Comment: This sequence change replaces leucine, which is neutral and non-polar, with histidine, which is basic and polar, at codon 795 of the MSH3 protein (p.Leu795His). This variant is present in population databases (no rsID available, gnomAD 0.003%). This variant has not been reported in the literature in individuals affected with MSH3-related conditions. ClinVar contains an entry for this variant (Variation ID: 664826). An algorithm developed to predict the effect of missense changes on protein structure and function (PolyPhen-2) suggests that this variant is likely to be disruptive. In summary, the available evidence is currently insufficient to determine the role of this variant in disease. Therefore, it has been classified as a Variant of Uncertain Significance.

Ambry Genetics
Classification: Uncertain significance for Hereditary cancer-predisposing syndrome. Last evaluated: 2025-11-12. Review status: criteria provided, single submitter. Criteria: Ambry Variant Classification Scheme 2023. Collection method: clinical testing. Allele origin: germline.
Comment: The p.L795H variant (also known as c.2384T>A), located in coding exon 17 of the MSH3 gene, results from a T to A substitution at nucleotide position 2384. The leucine at codon 795 is replaced by histidine, an amino acid with similar properties. This amino acid position is highly conserved in available vertebrate species. In addition, this alteration is predicted to be deleterious by in silico analysis. Since supporting evidence is limited at this time, the clinical significance of this alteration remains unclear.

Baylor Genetics
Classification: Uncertain significance for Endometrial carcinoma. Last evaluated: 2024-03-16. Review status: criteria provided, single submitter. Criteria: ACMG Guidelines, 2015. Collection method: clinical testing. Allele origin: unknown.